The following is an entry in ClinVar:

NM_000400.4(ERCC2):c.1119-85G>A

Gene: ERCC2 (ERCC excision repair 2, TFIIH core complex helicase subunit; minus strand). Cytogenetic location: 19q13.32.
Variant type: single nucleotide variant.
Coding change: c.1119-85G>A on transcript NM_000400.4 (MANE Select); 85 bases into the intron before coding-DNA position 1119, G replaced by A.
Molecular consequence: intron variant.
Genome position (GRCh38, 1-based): chr19:45,361,727, C>T on the plus strand (G>A on the coding strand, the complement: ERCC2 is on the minus strand). VCF-style: chr19-45361727-C-T. GRCh37 (hg19) VCF-style: chr19-45864985-C-T.
Other names: c.1047-85G>A (NM_001130867.2).
Identifiers: ClinVar variation 997453 (VCV000997453.2), dbSNP rs148028467, ClinGen allele CA9513517.

ClinVar aggregate classification (germline): Uncertain significance (1 of 4 stars; one submission).

Conditions:
Trichothiodystrophy 1, photosensitive (TTD1). Also called: TAY SYNDROME; TRICHOTHIODYSTROPHY WITH CONGENITAL ICHTHYOSIS; PIBIDS SYNDROME. Identifiers: Orphanet 33364, MedGen C1866504, MONDO:0011125, OMIM 601675.

Allele frequency attached by ClinVar (database versions not stated): 1000 Genomes Project 30x 0.00265; TOPMed 0.00151; gnomAD exomes 0.00069 and 0.00028; ExAC 0.00076; gnomAD 0.00129; 1000 Genomes Project 0.00300.
gnomAD v4.1: 451 of 1,021,132 alleles (0.044%); highest among the groups gnomAD compares: African/African-American, 0.41%; no homozygotes.

Submission:

Baylor Genetics
Classification: Uncertain significance for Trichothiodystrophy 1, photosensitive. Last evaluated: 2020-06-25. Review status: criteria provided, single submitter. Criteria: ACMG Guidelines, 2015. Collection method: clinical testing. Allele origin: unknown. Affected: yes. Study: CSER-TexasKidsCanSeq.
Comment: This variant was determined to be of uncertain significance according to ACMG Guidelines, 2015 [PMID:25741868].